The following is an entry in ClinVar:

NM_000391.4(TPP1):c.799G>C (p.Gly267Arg)

Gene: TPP1 (tripeptidyl peptidase 1; minus strand). Cytogenetic location: 11p15.4.
Variant type: single nucleotide variant.
Coding change: c.799G>C on transcript NM_000391.4 (MANE Select); coding-DNA position 799, G replaced by C.
Protein change: p.Gly267Arg; replaces glycine 267 with arginine.
Molecular consequence: missense variant.
Genome position (GRCh38, 1-based): chr11:6,616,748, C>G on the plus strand (G>C on the coding strand, the complement: TPP1 is on the minus strand). VCF-style: chr11-6616748-C-G. GRCh37 (hg19) VCF-style: chr11-6637979-C-G.
Other names: short protein forms G267R.
Identifiers: ClinVar variation 1377939 (VCV001377939.6), dbSNP rs987642717, ClinGen allele CA379475048.

ClinVar aggregate classification (germline): Uncertain significance (1 of 4 stars; one submission).

Allele frequency attached by ClinVar (database versions not stated): gnomAD exomes below 0.00001.
gnomAD v4.1: 1 of 1,614,054 alleles (0.000062%); highest among the groups gnomAD compares: Non-Finnish European, 0.000085%; no homozygotes.

Submission:

Labcorp Genetics (formerly Invitae), Labcorp
Classification: Uncertain significance. Last evaluated: 2024-10-14. Review status: criteria provided, single submitter. Criteria: Invitae Variant Classification Sherloc (09022015). Collection method: clinical testing. Allele origin: germline.
Comment: This sequence change replaces glycine, which is neutral and non-polar, with arginine, which is basic and polar, at codon 267 of the TPP1 protein (p.Gly267Arg). This variant is not present in population databases (gnomAD no frequency). This variant has not been reported in the literature in individuals affected with TPP1-related conditions. ClinVar contains an entry for this variant (Variation ID: 1377939). Invitae Evidence Modeling of protein sequence and biophysical properties (such as structural, functional, and spatial information, amino acid conservation, physicochemical variation, residue mobility, and thermodynamic stability) indicates that this missense variant is expected to disrupt TPP1 protein function with a positive predictive value of 95%. In summary, the available evidence is currently insufficient to determine the role of this variant in disease. Therefore, it has been classified as a Variant of Uncertain Significance.